The following is an entry in ClinVar:

ClinVar aggregate classification (germline): Pathogenic. Review status: criteria provided, single submitter (1 of 4 stars). 2 submissions from 2 submitters: Pathogenic (1). 1 of the submissions does not count toward it. Last evaluated 2021-11-30.

Conditions:
Neurodevelopmental disorder with coarse facies and mild distal skeletal abnormalities. Also called: STOLERMAN NEURODEVELOPMENTAL SYNDROME. Identifiers: MedGen C5193134, MONDO:0032790, OMIM 618505.

Submissions (2):

GeneDx
Classification: Pathogenic. Last evaluated: 2021-11-30. Review status: criteria provided, single submitter. Criteria: GeneDx Variant Classification Process June 2021. Collection method: clinical testing. Allele origin: germline. Affected: yes.
Comment: Nonsense variant predicted to result in protein truncation or nonsense mediated decay in a gene for which loss-of-function is a known mechanism of disease; Not observed in large population cohorts (Lek et al., 2016); Has not been previously published as pathogenic or benign to our knowledge

Joint Genome Diagnostic Labs from Nijmegen and Maastricht, Radboudumc and MUMC+
Classification: Likely pathogenic for Neurodevelopmental disorder with coarse facies and mild distal skeletal abnormalities. Last evaluated: 2022-09-09. Review status: no assertion criteria provided. Collection method: research. Allele origin: de novo. Affected: yes. Not counted in ClinVar's aggregate classification.

NM_001348716.2(KDM6B):c.2923C>T (p.Arg975Ter)

Gene: KDM6B (lysine demethylase 6B; plus strand). Cytogenetic location: 17p13.1.
Variant type: single nucleotide variant.
Coding change: c.2923C>T on transcript NM_001348716.2 (MANE Select); coding-DNA position 2923, C replaced by T.
Protein change: p.Arg975Ter; replaces arginine 975 with a stop codon.
Molecular consequence: nonsense.
Genome position (GRCh38, 1-based): chr17:7,849,211, C>T. VCF-style: chr17-7849211-C-T. GRCh37 (hg19) VCF-style: chr17-7752529-C-T.
Other names: c.2923C>T, p.Arg975Ter (NM_001080424.2); short protein forms R975*.
Identifiers: ClinVar variation 1327377 (VCV001327377.26), dbSNP rs2078638223, ClinGen allele CA397921467.